The following is an entry in ClinVar:

NM_006031.6(PCNT):c.7614G>A (p.Lys2538=)

Gene: PCNT (pericentrin; plus strand). Cytogenetic location: 21q22.3.
Variant type: single nucleotide variant.
Coding change: c.7614G>A on transcript NM_006031.6 (MANE Select); coding-DNA position 7614, G replaced by A.
Protein change: p.Lys2538=; no amino-acid change (lysine 2538 retained).
Molecular consequence: synonymous variant.
Genome position (GRCh38, 1-based): chr21:46,428,514, G>A. VCF-style: chr21-46428514-G-A. GRCh37 (hg19) VCF-style: chr21-47848428-G-A.
Other names: c.7614G>A (NM_006031.5); c.7260G>A, p.Lys2420= (NM_001315529.2).
Identifiers: ClinVar variation 2963120 (VCV002963120.4), dbSNP rs565687363, ClinGen allele CA322013351.

ClinVar aggregate classification (germline): Likely benign. Review status: criteria provided, multiple submitters, no conflicts (2 of 4 stars). 2 submissions from 2 submitters: Likely benign (2). Last evaluated 2025-10-24.

Conditions:
PCNT-related disorder. Also called: PCNT-related condition.

Allele frequency attached by ClinVar (database versions not stated): gnomAD exomes below 0.00001; gnomAD 0.00001.
gnomAD v4.1: 2 of 1,611,738 alleles (0.00012%); highest among the groups gnomAD compares: Non-Finnish European, 0.00017%; no homozygotes.

Submissions (2):

PreventionGenetics, part of Exact Sciences
Classification: Likely benign for PCNT-related condition. Last evaluated: 2025-10-24. Review status: criteria provided, single submitter. Criteria: ACMG Guidelines, 2015. Collection method: clinical testing. Allele origin: germline.
Comment: This variant is classified as likely benign based on ACMG/AMP sequence variant interpretation guidelines (Richards et al. 2015 PMID: 25741868, with internal and published modifications).

Labcorp Genetics (formerly Invitae), Labcorp
Classification: Likely benign. Last evaluated: 2023-08-30. Review status: criteria provided, single submitter. Criteria: Invitae Variant Classification Sherloc (09022015). Collection method: clinical testing. Allele origin: germline.